The following is an entry in ClinVar:

ClinVar aggregate classification (germline): Uncertain significance (1 of 4 stars; one submission).

Submission:

Labcorp Genetics (formerly Invitae), Labcorp
Classification: Uncertain significance. Last evaluated: 2024-11-29. Review status: criteria provided, single submitter. Criteria: Invitae Variant Classification Sherloc (09022015). Collection method: clinical testing. Allele origin: germline.
Comment: This variant, c.2117_2125dup, results in the insertion of 3 amino acid(s) of the NFATC1 protein (p.Asp708_Tyr709insSerAspAsp), but otherwise preserves the integrity of the reading frame. This variant is not present in population databases (gnomAD no frequency). This variant has not been reported in the literature in individuals affected with NFATC1-related conditions. In summary, the available evidence is currently insufficient to determine the role of this variant in disease. Therefore, it has been classified as a Variant of Uncertain Significance.

NM_001278669.2(NFATC1):c.2117_2125dup (p.Asp708_Tyr709insSerAspAsp)

Gene: NFATC1 (nuclear factor of activated T cells 1; plus strand). Cytogenetic location: 18q23.
Variant type: Duplication.
Coding change: c.2117_2125dup on transcript NM_001278669.2 (MANE Select); coding-DNA positions 2117 to 2125, 9 bases duplicated (CTGATGATT; older notation c.2117_2125dupCTGATGATT).
Protein change: p.Asp708_Tyr709insSerAspAsp.
Molecular consequence: intron variant (on NM_001278670.2).
Genome position (GRCh38, 1-based): chr18:79,486,272-79,486,280, CTGATGATT duplicated. VCF-style (leftmost placement, unchanged base first): chr18-79486271-A-ACTGATGATT. GRCh37 (hg19) VCF-style: chr18-77246271-A-ACTGATGATT.
Other names: c.701_709dup, p.Asp236_Tyr237insSerAspAsp (NM_001278673.2, NM_172388.3); c.2117_2125dup, p.Asp708_Tyr709insSerAspAsp (NM_006162.5); c.2078_2086dup, p.Asp695_Tyr696insSerAspAsp (NM_172387.3, NM_172389.3); c.2092+18690_2092+18698dup (NM_001278670.2); c.2053+18690_2053+18698dup (NM_001278672.2).
Identifiers: ClinVar variation 3725875 (VCV003725875.2).